The following is an entry in ClinVar:

NM_025099.6(CTC1):c.2497G>T (p.Asp833Tyr)

Gene: CTC1 (CST telomere replication complex component 1; minus strand). Cytogenetic location: 17p13.1.
Variant type: single nucleotide variant.
Coding change: c.2497G>T on transcript NM_025099.6 (MANE Select); coding-DNA position 2497, G replaced by T.
Protein change: p.Asp833Tyr; replaces aspartic acid 833 with tyrosine.
Molecular consequence: missense variant. On other transcripts: non-coding transcript variant (1).
Genome position (GRCh38, 1-based): chr17:8,231,448, C>A on the plus strand (G>T on the coding strand, the complement: CTC1 is on the minus strand). VCF-style: chr17-8231448-C-A. GRCh37 (hg19) VCF-style: chr17-8134766-C-A.
Other names: c.2497G>T, p.Asp833Tyr (NM_001411067.1); short protein forms D833Y.
Identifiers: ClinVar variation 2816058 (VCV002816058.4), dbSNP rs754510180, ClinGen allele CA397976236.

ClinVar aggregate classification (germline): Uncertain significance (1 of 4 stars; one submission).

Conditions:
Dyskeratosis congenita. Identifiers: Orphanet 1775, MedGen C0265965, MONDO:0015780.

Submissions (2):

Labcorp Genetics (formerly Invitae), Labcorp
Classification: Uncertain significance for Dyskeratosis congenita. Last evaluated: 2023-05-05. Review status: criteria provided, single submitter. Criteria: Invitae Variant Classification Sherloc (09022015). Collection method: clinical testing. Allele origin: germline.
Comment: An algorithm developed to predict the effect of missense changes on protein structure and function (PolyPhen-2) suggests that this variant is likely to be tolerated. This variant has not been reported in the literature in individuals affected with CTC1-related conditions. This variant is not present in population databases (gnomAD no frequency). This sequence change replaces aspartic acid, which is acidic and polar, with tyrosine, which is neutral and polar, at codon 833 of the CTC1 protein (p.Asp833Tyr). In summary, the available evidence is currently insufficient to determine the role of this variant in disease. Therefore, it has been classified as a Variant of Uncertain Significance.

Dr. Peter K. Rogan Lab, Western University
No classification provided (evidence only). Condition: Melanoma. Review status: no classification provided. Collection method: in vitro. Allele origin: not applicable. Functional consequence: skipped exon, retained intron. Not counted in ClinVar's aggregate classification.